The following is an entry in ClinVar:

ClinVar aggregate classification (germline): Pathogenic (1 of 4 stars; one submission).

Conditions:
Duchenne muscular dystrophy (DMD). Also called: MUSCULAR DYSTROPHY, PSEUDOHYPERTROPHIC PROGRESSIVE, DUCHENNE TYPE; Duchenne Muscular Dystrophy (DMD). Identifiers: Orphanet 98896, MedGen C0013264, MONDO:0010679, OMIM 310200.

Submission:

Labcorp Genetics (formerly Invitae), Labcorp
Classification: Pathogenic for Duchenne muscular dystrophy. Last evaluated: 2022-11-29. Review status: criteria provided, single submitter. Criteria: Invitae Variant Classification Sherloc (09022015). Collection method: clinical testing. Allele origin: germline.
Comment: This sequence change creates a premature translational stop signal (p.Arg2676Glyfs*2) in the DMD gene. It is expected to result in an absent or disrupted protein product. Loss-of-function variants in DMD are known to be pathogenic (PMID: 16770791, 25007885). This variant is not present in population databases (gnomAD no frequency). This variant has not been reported in the literature in individuals affected with DMD-related conditions. For these reasons, this variant has been classified as Pathogenic.

Literature cited by the submitters: PubMed 16770791; PubMed 25007885.

NM_004006.3(DMD):c.8026del (p.Arg2676fs)

Gene: DMD (dystrophin; minus strand). Cytogenetic location: Xp21.1.
Variant type: Deletion.
Coding change: c.8026del on transcript NM_004006.3 (MANE Select); coding-DNA position 8026, one base deleted (A; older notation c.8026delA).
Protein change: p.Arg2676fs; shifts the reading frame from arginine 2676.
Molecular consequence: frameshift variant.
Genome position (GRCh38, 1-based): chrX:31,657,991, T deleted on the plus strand (A on the coding strand, the reverse complement: DMD is on the minus strand); the first of 4 consecutive T bases (chrX:31,657,991-31,657,994); deleting any one gives the same sequence. VCF-style (leftmost placement, unchanged base first): chrX-31657990-CT-C. GRCh37 (hg19) VCF-style: chrX-31676107-CT-C.
Other names: c.8002del, p.Arg2668fs (NM_000109.4); c.8014del, p.Arg2672fs (NM_004009.3); c.7657del, p.Arg2553fs (NM_004010.3); c.4003del, p.Arg1335fs (NM_004011.4); c.3994del, p.Arg1332fs (NM_004012.4); c.646del, p.Arg216fs (NM_004013.3, NM_004020.4, NM_004021.3 and 2 more transcripts); short protein forms R2553fs, R1335fs, R2668fs, R2676fs, R1332fs, R216fs, R2672fs.
Identifiers: ClinVar variation 2817276 (VCV002817276.3), dbSNP rs2528806737, ClinGen allele CA2537391738.